The following is an entry in ClinVar:

NM_013382.7(POMT2):c.424A>G (p.Met142Val)

Gene: POMT2 (protein O-mannosyltransferase 2; minus strand). Cytogenetic location: 14q24.3.
Variant type: single nucleotide variant.
Coding change: c.424A>G on transcript NM_013382.7 (MANE Select); coding-DNA position 424, A replaced by G.
Protein change: p.Met142Val; replaces methionine 142 with valine.
Molecular consequence: missense variant.
Genome position (GRCh38, 1-based): chr14:77,306,351, T>C on the plus strand (A>G on the coding strand, the complement: POMT2 is on the minus strand). VCF-style: chr14-77306351-T-C. GRCh37 (hg19) VCF-style: chr14-77772694-T-C.
Other names: short protein forms M142V.
Identifiers: ClinVar variation 851413 (VCV000851413.8), dbSNP rs148938943, ClinGen allele CA7286206.

ClinVar aggregate classification (germline): Uncertain significance. Review status: criteria provided, multiple submitters, no conflicts (2 of 4 stars). 2 submissions from 2 submitters: Uncertain significance (2). Last evaluated 2025-05-28.

Conditions:
Inborn genetic diseases. Identifiers: MedGen C0950123, MeSH D030342.
Muscular dystrophy-dystroglycanopathy (congenital with brain and eye anomalies), type A2. Also called: MUSCULAR DYSTROPHY-DYSTROGLYCANOPATHY (CONGENITAL WITH BRAIN AND EYE ANOMALIES), TYPE A, 2; WALKER-WARBURG SYNDROME OR MUSCLE-EYE-BRAIN DISEASE, POMT2-RELATED. Identifiers: Orphanet 588, Orphanet 899, MedGen C3150411, MONDO:0013154, OMIM 613150.
Muscular dystrophy-dystroglycanopathy (congenital with impaired intellectual development), type B, 2. Also called: MUSCULAR DYSTROPHY, CONGENITAL, POMT2-RELATED; Muscular dystrophy-dystroglycanopathy (congenital with intellectual disability), type B2. Identifiers: MedGen C3150416, MONDO:0013160, OMIM 613156.
Autosomal recessive limb-girdle muscular dystrophy type 2N. Also called: MUSCULAR DYSTROPHY-DYSTROGLYCANOPATHY, LIMB-GIRDLE, POMT2-RELATED; Muscular dystrophy-dystroglycanopathy (limb-girdle), type C, 2. Identifiers: Orphanet 206559, MedGen C3150418, MONDO:0013162, OMIM 613158.

Allele frequency attached by ClinVar (database versions not stated): ExAC 0.00002; ESP Exome Variant Server 0.00008; TOPMed 0.00009; gnomAD exomes 0.00002; gnomAD 0.00009.

Submissions (2):

Ambry Genetics
Classification: Uncertain significance for Inborn genetic diseases. Last evaluated: 2025-05-28. Review status: criteria provided, single submitter. Criteria: Ambry Variant Classification Scheme 2023. Collection method: clinical testing. Allele origin: germline.

Labcorp Genetics (formerly Invitae), Labcorp
Classification: Uncertain significance for Muscular dystrophy-dystroglycanopathy (congenital with impaired intellectual development), type B, 2; Muscular dystrophy-dystroglycanopathy (congenital with brain and eye anomalies), type A2; Autosomal recessive limb-girdle muscular dystrophy type 2N. Last evaluated: 2022-08-10. Review status: criteria provided, single submitter. Criteria: Invitae Variant Classification Sherloc (09022015). Collection method: clinical testing. Allele origin: germline.
Comment: This sequence change replaces methionine, which is neutral and non-polar, with valine, which is neutral and non-polar, at codon 142 of the POMT2 protein (p.Met142Val). This variant is present in population databases (rs148938943, gnomAD 0.02%). This variant has not been reported in the literature in individuals affected with POMT2-related conditions. ClinVar contains an entry for this variant (Variation ID: 851413). Algorithms developed to predict the effect of missense changes on protein structure and function (SIFT, PolyPhen-2, Align-GVGD) all suggest that this variant is likely to be tolerated. In summary, the available evidence is currently insufficient to determine the role of this variant in disease. Therefore, it has been classified as a Variant of Uncertain Significance.